The following is an entry in ClinVar:

ClinVar aggregate classification (germline): Conflicting classifications of pathogenicity. Review status: criteria provided, conflicting classifications (1 of 4 stars). 3 submissions from 3 submitters: Uncertain significance (2); Likely benign (1). Last evaluated 2025-12-20.

Conditions:
Cardiovascular phenotype. Identifiers: MedGen CN230736.
Naxos disease (NXD). Also called: KERATOSIS PALMOPLANTARIS WITH ARRHYTHMOGENIC CARDIOMYOPATHY; MAL DE NAXOS; CARDIOMYOPATHY, ARRHYTHMOGENIC RIGHT VENTRICULAR, WITH SKIN, HAIR, AND NAIL ABNORMALITIES; PALMOPLANTAR KERATODERMA WITH ARRHYTHMOGENIC RIGHT VENTRICULAR CARDIOMYOPATHY AND WOOLLY HAIR; WOOLLY HAIR, PALMOPLANTAR KERATODERMA, AND CARDIAC ABNORMALITIES. Identifiers: Orphanet 34217, MedGen C1832600, MONDO:0011017, OMIM 601214.
Arrhythmogenic right ventricular dysplasia 12. Also called: ARRHYTHMOGENIC RIGHT VENTRICULAR DYSPLASIA, FAMILIAL, 12. Identifiers: MedGen C1969081, MONDO:0012684, OMIM 611528.

Allele frequency attached by ClinVar (database versions not stated): gnomAD 0.00001 and 0.00002; ExAC 0.00003; gnomAD exomes 0.00003 and 0.00004; TOPMed 0.00004.
gnomAD v4.1: 42 of 1,613,718 alleles (0.0026%); highest among the groups gnomAD compares: East Asian, 0.029%; no homozygotes.

Submissions (3):

Labcorp Genetics (formerly Invitae), Labcorp
Classification: Uncertain significance for Arrhythmogenic right ventricular dysplasia 12; Naxos disease. Last evaluated: 2025-12-20. Review status: criteria provided, single submitter. Criteria: Invitae Variant Classification Sherloc (09022015). Collection method: clinical testing. Allele origin: germline.
Comment: This sequence change replaces tyrosine, which is neutral and polar, with cysteine, which is neutral and slightly polar, at codon 693 of the JUP protein (p.Tyr693Cys). This variant is present in population databases (rs782475413, gnomAD 0.03%). This missense change has been observed in individual(s) with clinical features of arrhythmogenic right ventricular cardiomyopathy (PMID: 24125834, 37781308). ClinVar contains an entry for this variant (Variation ID: 1013389). An algorithm developed to predict the effect of missense changes on protein structure and function (PolyPhen-2) suggests that this variant is likely to be disruptive. In summary, the available evidence is currently insufficient to determine the role of this variant in disease. Therefore, it has been classified as a Variant of Uncertain Significance.

Ambry Genetics
Classification: Likely benign for Cardiovascular phenotype. Last evaluated: 2022-12-21. Review status: criteria provided, single submitter. Criteria: Ambry Variant Classification Scheme 2023. Collection method: clinical testing. Allele origin: germline.

Fulgent Genetics
Classification: Uncertain significance for Naxos disease; Arrhythmogenic right ventricular dysplasia 12. Last evaluated: 2021-08-05. Review status: criteria provided, single submitter. Criteria: ACMG Guidelines, 2015. Collection method: clinical testing. Allele origin: unknown.

Literature cited by the submitters: PubMed 24125834 (cited by Labcorp Genetics (formerly Invitae), Labcorp and Ambry Genetics); PubMed 37781308 (cited by Labcorp Genetics (formerly Invitae), Labcorp); PubMed 28471438 (cited by Ambry Genetics); PubMed 31402444 (cited by Ambry Genetics); PubMed 31539150 (cited by Ambry Genetics).

NM_002230.4(JUP):c.2078A>G (p.Tyr693Cys)

Gene: JUP (junction plakoglobin; minus strand). Cytogenetic location: 17q21.2.
Variant type: single nucleotide variant.
Coding change: c.2078A>G on transcript NM_002230.4 (MANE Select); coding-DNA position 2078, A replaced by G.
Protein change: p.Tyr693Cys; replaces tyrosine 693 with cysteine.
Molecular consequence: missense variant.
Genome position (GRCh38, 1-based): chr17:41,756,183, T>C on the plus strand (A>G on the coding strand, the complement: JUP is on the minus strand). VCF-style: chr17-41756183-T-C. GRCh37 (hg19) VCF-style: chr17-39912435-T-C.
Other names: c.2078A>G, p.Tyr693Cys (NM_001352773.2, NM_001352774.2, NM_001352775.2 and 3 more transcripts); c.2078A>G (NM_002230.2); short protein forms Y693C.
Identifiers: ClinVar variation 1013389 (VCV001013389.14), dbSNP rs782475413, ClinGen allele CA8565025.